The following is an entry in ClinVar:

NM_001144967.3(NEDD4L):c.2302C>T (p.Pro768Ser)

Gene: NEDD4L (NEDD4 like E3 ubiquitin protein ligase; plus strand). Cytogenetic location: 18q21.31.
Variant type: single nucleotide variant.
Coding change: c.2302C>T on transcript NM_001144967.3 (MANE Select); coding-DNA position 2302, C replaced by T.
Protein change: p.Pro768Ser; replaces proline 768 with serine.
Molecular consequence: missense variant.
Genome position (GRCh38, 1-based): chr18:58,373,219, C>T. VCF-style: chr18-58373219-C-T. GRCh37 (hg19) VCF-style: chr18-56040451-C-T.
Other names: c.1939C>T, p.Pro647Ser (NM_001144964.1, NM_001144965.2, NM_001144966.3); c.2278C>T, p.Pro760Ser (NM_001144968.2); c.2218C>T, p.Pro740Ser (NM_001144969.2); c.1879C>T, p.Pro627Ser (NM_001144970.3, NM_001144971.2); c.2110C>T, p.Pro704Ser (NM_001243960.2); c.3139C>T, p.Pro1047Ser (NM_001437337.1); c.2242C>T, p.Pro748Ser (NM_015277.6); short protein forms P1047S, P627S, P647S, P704S, P740S, P748S, P760S, P768S.
Identifiers: ClinVar variation 4538958 (VCV004538958.1).

ClinVar aggregate classification (germline): Uncertain significance (1 of 4 stars; one submission).

gnomAD v4.1: 4 of 1,579,662 alleles (0.00025%); highest among the groups gnomAD compares: South Asian, 0.0012%; no homozygotes.

Submission:

GeneDx
Classification: Uncertain significance. Last evaluated: 2025-06-20. Review status: criteria provided, single submitter. Criteria: GeneDx Variant Classification Process June 2021. Collection method: clinical testing. Allele origin: germline. Affected: yes.
Comment: Not observed at significant frequency in large population cohorts (gnomAD); In silico analysis supports that this missense variant has a deleterious effect on protein structure/function; Has not been previously published as pathogenic or benign to our knowledge